The following is an entry in ClinVar:

NM_020297.4(ABCC9):c.289C>G (p.Arg97Gly)

Gene: ABCC9 (ATP binding cassette subfamily C member 9; minus strand). Cytogenetic location: 12p12.1.
Variant type: single nucleotide variant.
Coding change: c.289C>G on transcript NM_020297.4 (MANE Select); coding-DNA position 289, C replaced by G.
Protein change: p.Arg97Gly; replaces arginine 97 with glycine.
Molecular consequence: missense variant. On other transcripts: 5 prime UTR variant (1).
Genome position (GRCh38, 1-based): chr12:21,926,059, G>C on the plus strand (C>G on the coding strand, the complement: ABCC9 is on the minus strand). VCF-style: chr12-21926059-G-C. GRCh37 (hg19) VCF-style: chr12-22078993-G-C.
Other names: c.289C>G, p.Arg97Gly (NM_001377273.1, NM_005691.4); c.-166C>G (NM_001377274.1); short protein forms R97G.
Identifiers: ClinVar variation 2105687 (VCV002105687.5), dbSNP rs727502875, ClinGen allele CA384129753.

ClinVar aggregate classification (germline): Uncertain significance. Review status: criteria provided, multiple submitters, no conflicts (2 of 4 stars). 2 submissions from 2 submitters: Uncertain significance (2). Last evaluated 2023-01-13.

Conditions:
Dilated cardiomyopathy 1O (CMD1O). Also called: CARDIOMYOPATHY, DILATED, WITH VENTRICULAR TACHYCARDIA. Identifiers: Orphanet 154, MedGen C1837839, MONDO:0012062, OMIM 608569.

Submissions (2):

Blueprint Genetics
Classification: Uncertain significance. Last evaluated: 2023-01-13. Review status: criteria provided, single submitter. Criteria: ACMG Guidelines, 2015. Collection method: clinical testing. Allele origin: germline.

Labcorp Genetics (formerly Invitae), Labcorp
Classification: Uncertain significance for Dilated cardiomyopathy 1O. Last evaluated: 2022-03-02. Review status: criteria provided, single submitter. Criteria: Invitae Variant Classification Sherloc (09022015). Collection method: clinical testing. Allele origin: germline.
Comment: In summary, the available evidence is currently insufficient to determine the role of this variant in disease. Therefore, it has been classified as a Variant of Uncertain Significance. Algorithms developed to predict the effect of sequence changes on RNA splicing suggest that this variant may disrupt the consensus splice site. Algorithms developed to predict the effect of missense changes on protein structure and function (SIFT, PolyPhen-2, Align-GVGD) all suggest that this variant is likely to be tolerated. This variant has not been reported in the literature in individuals affected with ABCC9-related conditions. This variant is not present in population databases (gnomAD no frequency). This sequence change replaces arginine, which is basic and polar, with glycine, which is neutral and non-polar, at codon 97 of the ABCC9 protein (p.Arg97Gly).